The following is an entry in ClinVar:

ClinVar aggregate classification (germline): Uncertain significance (1 of 4 stars; one submission).

Submission:

CeGaT Center for Human Genetics Tuebingen
Classification: Uncertain significance. Last evaluated: 2022-06-01. Review status: criteria provided, single submitter. Criteria: CeGaT Center For Human Genetics Tuebingen Variant Classification Criteria Version 2. Collection method: clinical testing. Allele origin: germline. Affected: yes. Observed: 1 variant allele.
Comment: HDAC6: PM2, BP4

NM_006044.4(HDAC6):c.3070G>C (p.Ala1024Pro)

Gene: HDAC6 (histone deacetylase 6; plus strand). Cytogenetic location: Xp11.23.
Variant type: single nucleotide variant.
Coding change: c.3070G>C on transcript NM_006044.4 (MANE Select); coding-DNA position 3070, G replaced by C.
Protein change: p.Ala1024Pro; replaces alanine 1024 with proline.
Molecular consequence: missense variant. On other transcripts: non-coding transcript variant (1).
Genome position (GRCh38, 1-based): chrX:48,823,469, G>C. VCF-style: chrX-48823469-G-C. GRCh37 (hg19) VCF-style: chrX-48681879-G-C.
Other names: c.3112G>C, p.Ala1038Pro (NM_001321225.2); c.3070G>C, p.Ala1024Pro (NM_001321226.2, NM_001321227.2, NM_001321228.2 and 1 more transcripts); short protein forms A1024P, A1038P.
Identifiers: ClinVar variation 2660475 (VCV002660475.24), dbSNP rs1557031010, ClinGen allele CA412881234.
Genomic context (GRCh38, chrX:48,823,469, plus strand): 5'-CTGGACCAGACTACGTCAGAGGAGGCTCCAGGGGGCACCGAGCTGATCCAAACTCCTCTA[G>C]CCTCGAGCACAGACCACCAGACCCCCCCAACCTCACCTGTGCAGGGAACTACACCCCAGA-3'
Protein context (NP_006035.2, residues 1014-1034): GGTELIQTPL[Ala1024Pro]SSTDHQTPPT